The following is an entry in ClinVar:

ClinVar aggregate classification (germline): Uncertain significance. Review status: criteria provided, multiple submitters, no conflicts (2 of 4 stars). 2 submissions from 2 submitters: Uncertain significance (2). Last evaluated 2023-12-14.

Conditions:
Inborn genetic diseases. Identifiers: MedGen C0950123, MeSH D030342.

Allele frequency attached by ClinVar (database versions not stated): ExAC 0.00001; gnomAD 0.00002; TOPMed 0.00002; gnomAD exomes 0.00001.
gnomAD v4.1: 7 of 1,614,090 alleles (0.00043%); highest among the groups gnomAD compares: Admixed American, 0.005%; no homozygotes.

Submissions (2):

Ambry Genetics
Classification: Uncertain significance for Inborn genetic diseases. Last evaluated: 2023-12-14. Review status: criteria provided, single submitter. Criteria: Ambry Variant Classification Scheme 2023. Collection method: clinical testing. Allele origin: germline.

GeneDx
Classification: Uncertain significance. Last evaluated: 2021-02-26. Review status: criteria provided, single submitter. Criteria: GeneDx Variant Classification Process June 2021. Collection method: clinical testing. Allele origin: germline. Affected: yes.
Comment: Not observed at significant frequency in large population cohorts (Lek et al., 2016); In silico analysis supports that this missense variant does not alter protein structure/function; Has not been previously published as pathogenic or benign to our knowledge; This variant is associated with the following publications: (PMID: 27535533)

NM_144672.4(OTOA):c.2042C>G (p.Thr681Ser)

Gene: OTOA (otoancorin). Cytogenetic location: 16p12.2.
Variant type: single nucleotide variant.
Coding change: c.2042C>G on transcript NM_144672.4 (MANE Select); coding-DNA position 2042, C replaced by G.
Protein change: p.Thr681Ser; replaces threonine 681 with serine.
Molecular consequence: missense variant.
Genome position (GRCh38, 1-based): chr16:21,728,266, C>G. VCF-style: chr16-21728266-C-G. GRCh37 (hg19) VCF-style: chr16-21739587-C-G.
Other names: c.1805C>G, p.Thr602Ser (NM_001161683.2); c.1070C>G, p.Thr357Ser (NM_170664.3); short protein forms T357S, T602S, T681S.
Identifiers: ClinVar variation 1254397 (VCV001254397.3), dbSNP rs377647690, ClinGen allele CA7952878.